The following is an entry in ClinVar:

ClinVar aggregate classification (germline): Likely benign (1 of 4 stars; one submission).

Allele frequency attached by ClinVar (database versions not stated): gnomAD exomes below 0.00001.
gnomAD v4.1: 2 of 1,578,276 alleles (0.00013%); highest among the groups gnomAD compares: Non-Finnish European, 0.00017%; no homozygotes.

Submission:

Women's Health and Genetics/Laboratory Corporation of America, LabCorp
Classification: Likely benign. Last evaluated: 2023-11-21. Review status: criteria provided, single submitter. Criteria: LabCorp Variant Classification Summary - May 2015. Collection method: clinical testing. Allele origin: germline.
Comment: Variant summary: WDR26 c.863-14A>G alters a conserved nucleotide located at a position not widely known to affect splicing. Consensus agreement among computation tools predict no significant impact on normal splicing. However, these predictions have yet to be confirmed by functional studies. The variant was absent in 215554 control chromosomes. The available data on variant occurrences in the general population are insufficient to allow any conclusion about variant significance. To our knowledge, no occurrence of c.863-14A>G in individuals affected with Skraban-Deardorff Syndrome and no experimental evidence demonstrating its impact on protein function have been reported. No submitters have cited clinical-significance assessments for this variant to ClinVar after 2014. Based on the evidence outlined above, the variant was classified as likely benign.

NM_001379403.1(WDR26):c.1163-14A>G

Gene: WDR26 (WD repeat domain 26; minus strand). Cytogenetic location: 1q42.12.
Variant type: single nucleotide variant.
Coding change: c.1163-14A>G on transcript NM_001379403.1 (MANE Select); 14 bases into the intron before coding-DNA position 1163, A replaced by G.
Molecular consequence: intron variant.
Genome position (GRCh38, 1-based): chr1:224,418,430, T>C on the plus strand (A>G on the coding strand, the complement: WDR26 is on the minus strand). VCF-style: chr1-224418430-T-C. GRCh37 (hg19) VCF-style: chr1-224606132-T-C.
Other names: c.815-14A>G (NM_001115113.3); c.863-14A>G (NM_025160.7).
Identifiers: ClinVar variation 2682234 (VCV002682234.1), dbSNP rs2464743688, ClinGen allele CA2574141354.